The following is an entry in ClinVar:

ClinVar aggregate classification (germline): Uncertain significance (1 of 4 stars; one submission).

Conditions:
Cohen syndrome (COH1). Also called: Cutis verticis gyrata, retinitis pigmentosa, and sensorineural deafness; PEPPER SYNDROME. Identifiers: Orphanet 193, MedGen C0265223, MONDO:0008999, OMIM 216550.

Submission:

Labcorp Genetics (formerly Invitae), Labcorp
Classification: Uncertain significance for Cohen syndrome. Last evaluated: 2022-07-10. Review status: criteria provided, single submitter. Criteria: Invitae Variant Classification Sherloc (09022015). Collection method: clinical testing. Allele origin: germline.
Comment: In summary, the available evidence is currently insufficient to determine the role of this variant in disease. Therefore, it has been classified as a Variant of Uncertain Significance. Algorithms developed to predict the effect of missense changes on protein structure and function are either unavailable or do not agree on the potential impact of this missense change (SIFT: "Not Available"; PolyPhen-2: "Benign"; Align-GVGD: "Not Available"). This variant has not been reported in the literature in individuals affected with VPS13B-related conditions. This variant is not present in population databases (gnomAD no frequency). This sequence change replaces leucine, which is neutral and non-polar, with valine, which is neutral and non-polar, at codon 3412 of the VPS13B protein (p.Leu3412Val).

NM_152564.5(VPS13B):c.10159C>G (p.Leu3387Val)

Gene: VPS13B (vacuolar protein sorting 13 homolog B; plus strand). Cytogenetic location: 8q22.2.
Variant type: single nucleotide variant.
Coding change: c.10159C>G on transcript NM_152564.5 (MANE Select); coding-DNA position 10159, C replaced by G.
Protein change: p.Leu3387Val; replaces leucine 3387 with valine.
Molecular consequence: missense variant.
Genome position (GRCh38, 1-based): chr8:99,853,548, C>G. VCF-style: chr8-99853548-C-G. GRCh37 (hg19) VCF-style: chr8-100865776-C-G.
Other names: c.10234C>G, p.Leu3412Val (NM_017890.5); short protein forms L3412V, L3387V.
Identifiers: ClinVar variation 1973505 (VCV001973505.5), dbSNP rs2130916651, ClinGen allele CA371780908.